The following is an entry in ClinVar:

NM_012073.5(CCT5):c.1153A>G (p.Ile385Val)

Gene: CCT5 (chaperonin containing TCP1 subunit 5; plus strand). Cytogenetic location: 5p15.2.
Variant type: single nucleotide variant.
Coding change: c.1153A>G on transcript NM_012073.5 (MANE Select); coding-DNA position 1153, A replaced by G.
Protein change: p.Ile385Val; replaces isoleucine 385 with valine.
Molecular consequence: missense variant.
Genome position (GRCh38, 1-based): chr5:10,261,719, A>G. VCF-style: chr5-10261719-A-G. GRCh37 (hg19) VCF-style: chr5-10261831-A-G.
Other names: c.1090A>G, p.Ile364Val (NM_001306153.1); c.988A>G, p.Ile330Val (NM_001306154.2); c.874A>G, p.Ile292Val (NM_001306155.2); c.1039A>G, p.Ile347Val (NM_001306156.2); short protein forms I292V, I347V, I385V, I330V, I364V.
Identifiers: ClinVar variation 2065436 (VCV002065436.4), dbSNP rs913771814, ClinGen allele CA113884454.

ClinVar aggregate classification (germline): Uncertain significance (1 of 4 stars; one submission).

Conditions:
Hereditary sensory and autonomic neuropathy with spastic paraplegia (HSNSP). Identifiers: Orphanet 139578, MedGen C1850395, MONDO:0009748, OMIM 256840.

Allele frequency attached by ClinVar (database versions not stated): gnomAD 0.00001; gnomAD exomes 0.00001; TOPMed 0.00001.
gnomAD v4.1: 16 of 1,613,948 alleles (0.00099%); highest among the groups gnomAD compares: Middle Eastern, 0.016%; no homozygotes.

Submission:

Labcorp Genetics (formerly Invitae), Labcorp
Classification: Uncertain significance for Hereditary sensory and autonomic neuropathy with spastic paraplegia. Last evaluated: 2025-10-03. Review status: criteria provided, single submitter. Criteria: Invitae Variant Classification Sherloc (09022015). Collection method: clinical testing. Allele origin: germline.
Comment: This sequence change replaces isoleucine, which is neutral and non-polar, with valine, which is neutral and non-polar, at codon 385 of the CCT5 protein (p.Ile385Val). This variant is present in population databases (no rsID available, gnomAD 0.0009%). This variant has not been reported in the literature in individuals affected with CCT5-related conditions. ClinVar contains an entry for this variant (Variation ID: 2065436). Invitae Evidence Modeling of protein sequence and biophysical properties (such as structural, functional, and spatial information, amino acid conservation, physicochemical variation, residue mobility, and thermodynamic stability) indicates that this missense variant is not expected to disrupt CCT5 protein function with a negative predictive value of 80%. In summary, the available evidence is currently insufficient to determine the role of this variant in disease. Therefore, it has been classified as a Variant of Uncertain Significance.